The following is an entry in ClinVar:

ClinVar aggregate classification (germline): Pathogenic (1 of 4 stars; one submission).

Conditions:
Neurodevelopmental disorder with or without autism or seizures (NEDAUS). Identifiers: MedGen C5543225, MONDO:0030994, OMIM 619239.

Submission:

Juno Genomics, Hangzhou Juno Genomics, Inc
Classification: Pathogenic for Neurodevelopmental disorder with or without autism or seizures. Review status: criteria provided, single submitter. Criteria: ACMG Guidelines, 2015. Collection method: clinical testing. Allele origin: germline. Affected: yes.
Comment: Absent from controls (or at extremely low frequency if recessive) in Genome Aggregation Database, Exome Sequencing Project, 1000 Genomes Project, or Exome Aggregation Consortium.;Null variant in a gene where loss of function (LOF) is a known mechanism of disease.;De novo (both maternity and paternity confirmed) in a patient with the disease and no family history.

NM_003590.5(CUL3):c.730G>T (p.Glu244Ter)

Gene: CUL3 (cullin 3; minus strand). Cytogenetic location: 2q36.2.
Variant type: single nucleotide variant.
Coding change: c.730G>T on transcript NM_003590.5 (MANE Select); coding-DNA position 730, G replaced by T.
Protein change: p.Glu244Ter; replaces glutamic acid 244 with a stop codon.
Molecular consequence: nonsense.
Genome position (GRCh38, 1-based): chr2:224,511,507, C>A on the plus strand (G>T on the coding strand, the complement: CUL3 is on the minus strand). VCF-style: chr2-224511507-C-A. GRCh37 (hg19) VCF-style: chr2-225376224-C-A.
Other names: c.532G>T, p.Glu178Ter (NM_001257197.2); c.748G>T, p.Glu250Ter (NM_001257198.2); short protein forms E178*, E244*, E250*.
Identifiers: ClinVar variation 4531258 (VCV004531258.1).